The following is an entry in ClinVar:

ClinVar aggregate classification (germline): Pathogenic (1 of 4 stars; one submission).

Submission:

GeneDx
Classification: Pathogenic. Last evaluated: 2018-04-19. Review status: criteria provided, single submitter. Criteria: GeneDx Variant Classification (06012015). Collection method: clinical testing. Allele origin: germline. Affected: yes.
Comment: The c.2354delA variant in the SCN2A gene has not been reported previously as a pathogenic variant nor as a benign variant, to our knowledge. The c.2354delA variant causes a frameshift starting with codon Glutamic Acid 785, changes this amino acid to a Glycine residue, and creates a premature Stop codon at position 26 of the new reading frame, denoted p.Glu785GlyfsX26. This variant is predicted to cause loss of normal protein function either through protein truncation or nonsense-mediated mRNA decay. The c.2354delA variant is not observed in large population cohorts (Lek et al., 2016). We interpret c.2354delA as a pathogenic variant.

NM_001040142.2(SCN2A):c.2354del (p.Glu785fs)

Gene: SCN2A (sodium voltage-gated channel alpha subunit 2; plus strand). Cytogenetic location: 2q24.3.
Variant type: Deletion.
Coding change: c.2354del on transcript NM_001040142.2 (MANE Select); coding-DNA position 2354, one base deleted (A; older notation c.2354delA).
Protein change: p.Glu785fs; shifts the reading frame from glutamic acid 785.
Molecular consequence: frameshift variant.
Genome position (GRCh38, 1-based): chr2:165,331,534, A deleted. VCF-style (leftmost placement, unchanged base first): chr2-165331533-GA-G. GRCh37 (hg19) VCF-style: chr2-166188043-GA-G.
Other names: c.2354del, p.Glu785fs (NM_001040143.2, NM_001371246.1, NM_001371247.1 and 1 more transcripts); c.2354delA (NM_021007.2); short protein forms E785fs.
Identifiers: ClinVar variation 523993 (VCV000523993.2), dbSNP rs1553574729, ClinGen allele CA658795903.
Genomic context (GRCh38, chr2:165,331,533, plus strand): 5'-ATCACCATCTGCATTGTCTTAAATACACTCTTCATGGCTATGGAGCACTATCCCATGACG[GA>G]GCAGTTCAGCAGTGTACTGTCTGTTGGAAACCTGGTAAGCCTCACTGAGAGTTTCTCTTC-3'